The following is an entry in ClinVar:

NM_182914.3(SYNE2):c.8264C>G (p.Pro2755Arg)

Gene: SYNE2 (spectrin repeat containing nuclear envelope protein 2; plus strand). Cytogenetic location: 14q23.2.
Variant type: single nucleotide variant.
Coding change: c.8264C>G on transcript NM_182914.3 (MANE Select); coding-DNA position 8264, C replaced by G.
Protein change: p.Pro2755Arg; replaces proline 2755 with arginine.
Molecular consequence: missense variant.
Genome position (GRCh38, 1-based): chr14:64,052,177, C>G. VCF-style: chr14-64052177-C-G. GRCh37 (hg19) VCF-style: chr14-64518895-C-G.
Other names: c.8264C>G, p.Pro2755Arg (NM_015180.6); short protein forms P2755R.
Identifiers: ClinVar variation 3019683 (VCV003019683.3), dbSNP rs368845733, ClinGen allele CA7221078.

ClinVar aggregate classification (germline): Uncertain significance (1 of 4 stars; one submission).

Conditions:
Emery-Dreifuss muscular dystrophy 5, autosomal dominant (EDMD5). Also called: EMERY-DREIFUSS MUSCULAR DYSTROPHY 5. Identifiers: Orphanet 261, MedGen C2751805, MONDO:0013072, OMIM 612999.

Allele frequency attached by ClinVar (database versions not stated): gnomAD exomes below 0.00001; ExAC 0.00002; gnomAD 0.00003; TOPMed 0.00005; ESP Exome Variant Server 0.00008.
gnomAD v4.1: 5 of 1,613,990 alleles (0.00031%); highest among the groups gnomAD compares: African/African-American, 0.0067%; no homozygotes.

Submission:

Labcorp Genetics (formerly Invitae), Labcorp
Classification: Uncertain significance for Emery-Dreifuss muscular dystrophy 5, autosomal dominant. Last evaluated: 2023-08-14. Review status: criteria provided, single submitter. Criteria: Invitae Variant Classification Sherloc (09022015). Collection method: clinical testing. Allele origin: germline.
Comment: This sequence change replaces proline, which is neutral and non-polar, with arginine, which is basic and polar, at codon 2755 of the SYNE2 protein (p.Pro2755Arg). This variant is present in population databases (rs368845733, gnomAD 0.02%). This variant has not been reported in the literature in individuals affected with SYNE2-related conditions. An algorithm developed to predict the effect of missense changes on protein structure and function (PolyPhen-2) suggests that this variant is likely to be tolerated. In summary, the available evidence is currently insufficient to determine the role of this variant in disease. Therefore, it has been classified as a Variant of Uncertain Significance.